The following is an entry in ClinVar:

ClinVar aggregate classification (germline): Uncertain significance. Review status: criteria provided, multiple submitters, no conflicts (2 of 4 stars). 2 submissions from 2 submitters: Uncertain significance (2). Last evaluated 2024-01-29.

Conditions:
Inborn genetic diseases. Identifiers: MedGen C0950123, MeSH D030342.
Epidermolysis bullosa simplex 3, localized or generalized intermediate, with BP230 deficiency (EBS3). Also called: Epidermolysis bullosa simplex, autosomal recessive 2; Epidermolysis bullosa simplex due to BP230 deficiency. Identifiers: Orphanet 412181, MedGen C3809470, MONDO:0014180, OMIM 615425.
Hereditary sensory and autonomic neuropathy type 6. Also called: HSAN VI; Neuropathy, hereditary sensory and autonomic, type VI. Identifiers: Orphanet 314381, MedGen C3539003, MONDO:0013839, OMIM 614653.

Allele frequency attached by ClinVar (database versions not stated): TOPMed below 0.00001; gnomAD 0.00001; gnomAD exomes 0.00001; ExAC 0.00003.
gnomAD v4.1: 14 of 1,612,914 alleles (0.00087%); highest among the groups gnomAD compares: Non-Finnish European, 0.0012%; no homozygotes.

Submissions (2):

Labcorp Genetics (formerly Invitae), Labcorp
Classification: Uncertain significance for Epidermolysis bullosa simplex 3, localized or generalized intermediate, with BP230 deficiency; Hereditary sensory and autonomic neuropathy type 6. Last evaluated: 2024-01-29. Review status: criteria provided, single submitter. Criteria: Invitae Variant Classification Sherloc (09022015). Collection method: clinical testing. Allele origin: germline.
Comment: The DST gene has multiple clinically relevant transcripts. This variant occurs in alternate transcript NM_015548.4, and corresponds to NM_001723.5:c.*118127A>G in the primary transcript. This sequence change replaces asparagine, which is neutral and polar, with aspartic acid, which is acidic and polar, at codon 4115 of the DST protein (p.Asn4115Asp). This variant is present in population databases (rs760926907, gnomAD 0.006%). This variant has not been reported in the literature in individuals affected with DST-related conditions. Experimental studies and prediction algorithms are not available or were not evaluated, and the functional significance of this variant is currently unknown. In summary, the available evidence is currently insufficient to determine the role of this variant in disease. Therefore, it has been classified as a Variant of Uncertain Significance.

Ambry Genetics
Classification: Uncertain significance for Inborn genetic diseases. Last evaluated: 2020-06-15. Review status: criteria provided, single submitter. Criteria: Ambry Variant Classification Scheme 2023. Collection method: clinical testing. Allele origin: germline.
Comment: The p.N4619D variant (also known as c.13855A>G), located in coding exon 76 of the DST gene, results from an A to G substitution at nucleotide position 13855. The asparagine at codon 4619 is replaced by aspartic acid, an amino acid with highly similar properties. This amino acid position is well conserved in available vertebrate species. In addition, this alteration is predicted to be tolerated by in silico analysis. Since supporting evidence is limited at this time, the clinical significance of this alteration remains unclear.

NM_001374736.1(DST):c.20212A>G (p.Asn6738Asp)

Gene: DST (dystonin; minus strand). Cytogenetic location: 6p12.1.
Variant type: single nucleotide variant.
Coding change: c.20212A>G on transcript NM_001374736.1 (MANE Select); coding-DNA position 20212, A replaced by G.
Protein change: p.Asn6738Asp; replaces asparagine 6738 with aspartic acid.
Molecular consequence: missense variant.
Genome position (GRCh38, 1-based): chr6:56,497,390, T>C on the plus strand (A>G on the coding strand, the complement: DST is on the minus strand). VCF-style: chr6-56497390-T-C. GRCh37 (hg19) VCF-style: chr6-56362188-T-C.
Other names: c.13855A>G, p.Asn4619Asp (NM_001144769.5); c.13441A>G, p.Asn4481Asp (NM_001144770.2); c.20212A>G, p.Asn6738Asp (NM_001374722.1); c.19252A>G, p.Asn6418Asp (NM_001374729.1); c.12994A>G, p.Asn4332Asp (NM_001374730.1); c.20239A>G, p.Asn6747Asp (NM_001374734.1); c.13321A>G, p.Asn4441Asp (NM_001386100.1, NM_183380.4); c.12343A>G, p.Asn4115Asp (NM_015548.5); short protein forms N4481D, N4619D, N6418D, N4115D, N4441D, N6738D, N6747D, N4332D.
Identifiers: ClinVar variation 1771367 (VCV001771367.6), dbSNP rs760926907, ClinGen allele CA3866818.